The following is an entry in ClinVar:

ClinVar aggregate classification (germline): Uncertain significance (1 of 4 stars; one submission).

Conditions:
Fanconi anemia (FA). Also called: Fanconi's anemia. Identifiers: Orphanet 84, MedGen C0015625, MeSH D005199, MONDO:0019391.

Submission:

Labcorp Genetics (formerly Invitae), Labcorp
Classification: Uncertain significance for Fanconi anemia. Last evaluated: 2024-07-24. Review status: criteria provided, single submitter. Criteria: Invitae Variant Classification Sherloc (09022015). Collection method: clinical testing. Allele origin: germline.
Comment: This sequence change replaces lysine, which is basic and polar, with asparagine, which is neutral and polar, at codon 121 of the SLX4 protein (p.Lys121Asn). This variant is not present in population databases (gnomAD no frequency). This variant has not been reported in the literature in individuals affected with SLX4-related conditions. An algorithm developed to predict the effect of missense changes on protein structure and function (PolyPhen-2) suggests that this variant is likely to be disruptive. In summary, the available evidence is currently insufficient to determine the role of this variant in disease. Therefore, it has been classified as a Variant of Uncertain Significance.

NM_032444.4(SLX4):c.363A>C (p.Lys121Asn)

Gene: SLX4 (SLX4 structure-specific endonuclease subunit; minus strand). Cytogenetic location: 16p13.3.
Variant type: single nucleotide variant.
Coding change: c.363A>C on transcript NM_032444.4 (MANE Select); coding-DNA position 363, A replaced by C.
Protein change: p.Lys121Asn; replaces lysine 121 with asparagine.
Molecular consequence: missense variant.
Genome position (GRCh38, 1-based): chr16:3,608,602, T>G on the plus strand (A>C on the coding strand, the complement: SLX4 is on the minus strand). VCF-style: chr16-3608602-T-G. GRCh37 (hg19) VCF-style: chr16-3658603-T-G.
Other names: short protein forms K121N.
Identifiers: ClinVar variation 3660449 (VCV003660449.2).
Genomic context (GRCh38, chr16:3,608,602, plus strand): 5'-CCCCTCCCCATTCACAGAGTGGGCCGGTTCACTTGCTTGCCATTTGGTTACCCTTTGCTT[T>G]TTAGTCCTAGGGGCCTGGCTGCCAGACGGAGGTTTCTTCTCTGCAGGGCCTTGAAGGGTT-3'
Protein context (NP_115820.2, residues 111-131): PPSGSQAPRT[Lys121Asn]KQRVTKWQAS